The following is an entry in ClinVar:

NM_000235.4(LIPA):c.1027_1029dup (p.Gly343dup)

Gene: LIPA (lipase A, lysosomal acid type; minus strand). Cytogenetic location: 10q23.31.
Variant type: Duplication.
Coding change: c.1027_1029dup on transcript NM_000235.4 (MANE Select); coding-DNA positions 1027 to 1029, 3 bases duplicated (GGT; older notation c.1027_1029dupGGT).
Protein change: p.Gly343dup; duplicates glycine 343.
Molecular consequence: inframe insertion.
Genome position (GRCh38, 1-based): chr10:89,214,999-89,215,001, ACC duplicated on the plus strand (GGT on the coding strand, the reverse complement: LIPA is on the minus strand). VCF-style (leftmost placement, unchanged base first): chr10-89214998-G-GACC. GRCh37 (hg19) VCF-style: chr10-90974755-G-GACC.
Other names: c.1027_1029dup, p.Gly343dup (NM_001127605.3); c.679_681dup, p.Gly227dup (NM_001288979.2).
Identifiers: ClinVar variation 1065960 (VCV001065960.9), dbSNP rs2133411859, ClinGen allele CA2499220476.

ClinVar aggregate classification (germline): Likely pathogenic (1 of 4 stars; one submission).

Conditions:
Wolman disease (WOLD). Also called: LYSOSOMAL ACID LIPASE DEFICIENCY, ACUTE INFANTILE; LYSOSOMAL ACID LIPASE DEFICIENCY, COMPLETE; LIPA DEFICIENCY, COMPLETE; LAL DEFICIENCY, COMPLETE; CHOLESTEROL ESTER HYDROLASE DEFICIENCY, COMPLETE; Infantile-Onset LAL-D (Wolman Disease). Identifiers: Orphanet 75233, MedGen C0043208, MONDO:0019148, OMIM 620151.

Submission:

Labcorp Genetics (formerly Invitae), Labcorp
Classification: Likely pathogenic for Wolman disease. Last evaluated: 2020-08-27. Review status: criteria provided, single submitter. Criteria: Invitae Variant Classification Sherloc (09022015). Collection method: clinical testing. Allele origin: germline.
Comment: This variant, c.1027_1029dup, results in the insertion of 1 amino acid(s) to the LIPA protein (p.Gly343dup), but otherwise preserves the integrity of the reading frame. This variant is not present in population databases (ExAC no frequency). This variant has been observed in individual(s) with lysosomal acid lipase deficiency (Invitae). It has also been observed to segregate with disease in related individuals. Experimental studies and prediction algorithms are not available or were not evaluated, and the functional significance of this variant is currently unknown. In summary, the currently available evidence indicates that the variant is pathogenic, but additional data are needed to prove that conclusively. Therefore, this variant has been classified as Likely Pathogenic.